The following is an entry in ClinVar:

NM_000441.2(SLC26A4):c.109G>T (p.Glu37Ter)

Genes: SLC26A4 (solute carrier family 26 member 4; plus strand), SLC26A4-AS1 (SLC26A4 antisense RNA 1; minus strand). Cytogenetic location: 7q22.3.
Variant type: single nucleotide variant.
Coding change: c.109G>T on transcript NM_000441.2 (MANE Select); coding-DNA position 109, G replaced by T.
Protein change: p.Glu37Ter; replaces glutamic acid 37 with a stop codon.
Molecular consequence: nonsense. On other transcripts: non-coding transcript variant (1).
Genome position (GRCh38, 1-based): chr7:107,661,750, G>T. VCF-style: chr7-107661750-G-T. GRCh37 (hg19) VCF-style: chr7-107302195-G-T.
Other names: short protein forms E37*.
Identifiers: ClinVar variation 627471 (VCV000627471.14), dbSNP rs371544695, ClinGen allele CA368845104.

ClinVar aggregate classification (germline): Pathogenic. Review status: criteria provided, multiple submitters, no conflicts (2 of 4 stars). 4 submissions from 4 submitters: Pathogenic (3). 1 of the submissions does not count toward it. Last evaluated 2024-06-22.

Conditions:
Pendred syndrome (PDS). Also called: DEAFNESS WITH GOITER; Pendred Syndrome (PDS); HYPOTHYROIDISM, CONGENITAL, DUE TO DYSHORMONOGENESIS, 2B; GOITER-DEAFNESS SYNDROME; Pendred's syndrome; THYROID DYSHORMONOGENESIS 2B. Identifiers: Orphanet 705, MedGen C0271829, MONDO:0010134, OMIM 274600.
Autosomal recessive nonsyndromic hearing loss 4 (DFNB4). Also called: FOXI1-Related Pendred Syndrome; KCNJ10-Related Pendred Syndrome; NEUROSENSORY NONSYNDROMIC RECESSIVE DEAFNESS 4; DEAFNESS, AUTOSOMAL RECESSIVE 4, WITH ENLARGED VESTIBULAR AQUEDUCT, DIGENIC; Nonsyndromic enlarged vestibular aqueduct (NSEVA); Deafness, autosomal recessive 4, with enlarged vestibular aqueduct. Identifiers: Orphanet 90636, MedGen C3538946, MONDO:0010933, OMIM 600791.

Allele frequency attached by ClinVar (database versions not stated): TOPMed 0.00001.
gnomAD v4.1: 2 of 1,547,956 alleles (0.00013%); highest among the groups gnomAD compares: South Asian, 0.0012%; no homozygotes.

Submissions (4):

Fulgent Genetics
Classification: Pathogenic for Pendred syndrome; Autosomal recessive nonsyndromic hearing loss 4. Last evaluated: 2024-06-22. Review status: criteria provided, single submitter. Criteria: ACMG Guidelines, 2015. Collection method: clinical testing. Allele origin: germline.

Labcorp Genetics (formerly Invitae), Labcorp
Classification: Pathogenic. Last evaluated: 2022-07-26. Review status: criteria provided, single submitter. Criteria: Invitae Variant Classification Sherloc (09022015). Collection method: clinical testing. Allele origin: germline.
Comment: ClinVar contains an entry for this variant (Variation ID: 627471). This sequence change creates a premature translational stop signal (p.Glu37*) in the SLC26A4 gene. It is expected to result in an absent or disrupted protein product. Loss-of-function variants in SLC26A4 are known to be pathogenic (PMID: 16283880, 25394566, 26252218, 26445815). This variant is not present in population databases (gnomAD no frequency). This premature translational stop signal has been observed in individual(s) with a SLC26A4-related condition (PMID: 17718863). For these reasons, this variant has been classified as Pathogenic.

Juno Genomics, Hangzhou Juno Genomics, Inc
Classification: Pathogenic for Autosomal recessive nonsyndromic hearing loss 4; Pendred syndrome. Review status: criteria provided, single submitter. Criteria: ACMG Guidelines, 2015. Collection method: clinical testing. Allele origin: germline. Affected: yes.
Comment: Null variant in a gene where loss of function (LOF) is a known mechanism of disease.;Absent from controls (or at extremely low frequency if recessive) in Genome Aggregation Database, Exome Sequencing Project, 1000 Genomes Project, or Exome Aggregation Consortium.;For recessive disorders, detected in trans with a pathogenic variant.

Genetic Testing Center for Deafness, Department of Otolaryngology Head & Neck Surgery, Institute of Otolaryngology, Chinese PLA General Hospital
Classification: Pathogenic for Autosomal recessive nonsyndromic hearing loss 4. Last evaluated: 2019-02-26. Review status: no assertion criteria provided. Collection method: case-control. Allele origin: inherited. Affected: yes. Observed: 1 variant allele. Not counted in ClinVar's aggregate classification.

Literature cited by the submitters: PubMed 16283880 (cited by Labcorp Genetics (formerly Invitae), Labcorp); PubMed 25394566 (cited by Labcorp Genetics (formerly Invitae), Labcorp); PubMed 26252218 (cited by Labcorp Genetics (formerly Invitae), Labcorp); PubMed 26445815 (cited by Labcorp Genetics (formerly Invitae), Labcorp); PubMed 17718863 (cited by Labcorp Genetics (formerly Invitae), Labcorp).